The following is an entry in ClinVar:

ClinVar aggregate classification (germline): Likely benign (1 of 4 stars; one submission).

Submission:

CeGaT Center for Human Genetics Tuebingen
Classification: Likely benign. Last evaluated: 2022-09-01. Review status: criteria provided, single submitter. Criteria: CeGaT Center For Human Genetics Tuebingen Variant Classification Criteria Version 2. Collection method: clinical testing. Allele origin: germline. Affected: yes. Observed: 1 variant allele.
Comment: FLG: PM2, BP1, BP4, BP5

NM_002016.2(FLG):c.5033G>A (p.Gly1678Glu)

Genes: CCDST (cervical cancer associated DHX9 suppressive transcript; plus strand), FLG (filaggrin; minus strand). Cytogenetic location: 1q21.3.
Variant type: single nucleotide variant.
Coding change: c.5033G>A on transcript NM_002016.2 (MANE Select); coding-DNA position 5033, G replaced by A.
Protein change: p.Gly1678Glu; replaces glycine 1678 with glutamic acid.
Molecular consequence: missense variant.
Genome position (GRCh38, 1-based): chr1:152,309,853, C>T on the plus strand (G>A on the coding strand, the complement: FLG is on the minus strand). VCF-style: chr1-152309853-C-T. GRCh37 (hg19) VCF-style: chr1-152282329-C-T.
Other names: short protein forms G1678E.
Identifiers: ClinVar variation 1711222 (VCV001711222.30), dbSNP rs777358702, ClinGen allele CA342069558.